The following is an entry in ClinVar:

ClinVar aggregate classification (germline): Pathogenic. Review status: criteria provided, multiple submitters, no conflicts (2 of 4 stars). 4 submissions from 4 submitters: Pathogenic (4). Last evaluated 2025-01-12.

Conditions:
Leber congenital amaurosis 10 (LCA10). Identifiers: Orphanet 65, MedGen C1857821, MONDO:0012723, OMIM 611755.
Meckel syndrome, type 4 (MKS4). Also called: MECKEL-GRUBER SYNDROME, TYPE 4. Identifiers: Orphanet 564, MedGen C1970161, MONDO:0012626, OMIM 611134.
Senior-Loken syndrome 6 (SLSN6). Identifiers: Orphanet 3156, MedGen C1857779, MONDO:0012433, OMIM 610189.
Bardet-Biedl syndrome 14 (BBS14). Identifiers: Orphanet 110, MedGen C2673874, MONDO:0014442, OMIM 615991.
Joubert syndrome 5 (JBTS5). Identifiers: Orphanet 2318, MedGen C1857780, MONDO:0012432, OMIM 610188.
CEP290-related disorder. Also called: CEP290-related condition; CEP290-related disorders. Identifiers: MedGen CN239314.
Meckel-Gruber syndrome. Also called: DYSENCEPHALIA SPLANCHNOCYSTICA; GRUBER SYNDROME; Dysencephalia splachnocystica. Identifiers: Orphanet 564, MedGen C0265215, MONDO:0018921.
Joubert syndrome. Also called: JOUBERT-BOLTSHAUSER SYNDROME; Familial aplasia of the vermis. Identifiers: Orphanet 475, MedGen C5979921, MONDO:0018772.
Nephronophthisis. Also called: Juvenile Nephronophthisis. Identifiers: Orphanet 655, MedGen C0687120, MONDO:0019005, HP:0000090.

Submissions (4):

Women's Health and Genetics/Laboratory Corporation of America, LabCorp
Classification: Pathogenic for Meckel syndrome, type 4. Last evaluated: 2025-01-12. Review status: criteria provided, single submitter. Criteria: LabCorp Variant Classification Summary - May 2015. Collection method: clinical testing. Allele origin: germline.
Comment: Variant summary: CEP290 c.2340_2341delGA (p.Asn781X) results in a premature termination codon, predicted to cause a truncation of the encoded protein or absence of the protein due to nonsense mediated decay, which are commonly known mechanisms for disease. The variant was absent in 97274 control chromosomes. c.2340_2341delGA has been reported in the literature in at least one compound heterozygous individual affected with Leber congenital amaurosis (e.g. Xu_2016). To our knowledge, no experimental evidence demonstrating an impact on protein function has been reported. The following publication has been ascertained in the context of this evaluation (PMID: 27375279). ClinVar contains an entry for this variant (Variation ID: 2137395). Based on the evidence outlined above, the variant was classified as pathogenic.

Labcorp Genetics (formerly Invitae), Labcorp
Classification: Pathogenic for Joubert syndrome; Meckel-Gruber syndrome; Nephronophthisis. Last evaluated: 2024-05-31. Review status: criteria provided, single submitter. Criteria: Invitae Variant Classification Sherloc (09022015). Collection method: clinical testing. Allele origin: germline.
Comment: This sequence change creates a premature translational stop signal (p.Asn781*) in the CEP290 gene. It is expected to result in an absent or disrupted protein product. Loss-of-function variants in CEP290 are known to be pathogenic (PMID: 16909394, 17345604, 20690115). This variant is not present in population databases (gnomAD no frequency). This premature translational stop signal has been observed in individual(s) with CEP290-related conditions (PMID: 27375279, 32386258). ClinVar contains an entry for this variant (Variation ID: 2137395). Algorithms developed to predict the effect of sequence changes on RNA splicing suggest that this variant may disrupt the consensus splice site. For these reasons, this variant has been classified as Pathogenic.

Blueprint Genetics
Classification: Pathogenic for CEP290-related disorders. Last evaluated: 2022-02-04. Review status: criteria provided, single submitter. Criteria: ACMG Guidelines, 2015. Collection method: clinical testing. Allele origin: germline. Affected: yes. Observed: 1 variant allele.

Juno Genomics, Hangzhou Juno Genomics, Inc
Classification: Pathogenic for Bardet-Biedl syndrome 14; Joubert syndrome 5; Leber congenital amaurosis 10; Meckel syndrome, type 4; Senior-Loken syndrome 6. Review status: criteria provided, single submitter. Criteria: ACMG Guidelines, 2015. Collection method: clinical testing. Allele origin: germline.
Comment: Absent from controls (or at extremely low frequency if recessive) in Genome Aggregation Database.;Null variant in a gene where loss of function (LOF) is a known mechanism of disease.;For recessive disorders, detected in trans with a pathogenic variant.;Patient's phenotype or family history is highly specific for a disease with a single genetic etiology.

Literature cited by the submitters: PubMed 27375279 (cited by Women's Health and Genetics/Laboratory Corporation of America, LabCorp and Labcorp Genetics (formerly Invitae), Labcorp); PubMed 16909394 (cited by Labcorp Genetics (formerly Invitae), Labcorp); PubMed 17345604 (cited by Labcorp Genetics (formerly Invitae), Labcorp); PubMed 20690115 (cited by Labcorp Genetics (formerly Invitae), Labcorp); PubMed 32386258 (cited by Labcorp Genetics (formerly Invitae), Labcorp).

NM_025114.4(CEP290):c.2340_2341del (p.Gln780_Asn781insTer)

Gene: CEP290 (centrosomal protein 290; minus strand). Cytogenetic location: 12q21.32.
Variant type: Deletion.
Coding change: c.2340_2341del on transcript NM_025114.4 (MANE Select); coding-DNA positions 2340 to 2341, 2 bases deleted (GA; older notation c.2340_2341delGA).
Protein change: p.Gln780_Asn781insTer.
Molecular consequence: frameshift variant.
Genome position (GRCh38, 1-based): chr12:88,111,228-88,111,229, TC deleted on the plus strand (GA on the coding strand, the reverse complement: CEP290 is on the minus strand); deleting any 2 consecutive bases within chr12:88,111,228-88,111,230 gives the same sequence; the c. name uses the placement nearest the transcript's 3' end. VCF-style (leftmost placement, unchanged base first): chr12-88111227-TTC-T. GRCh37 (hg19) VCF-style: chr12-88505004-TTC-T.
Other names: c.2340_2341delGA (NM_025114.4).
Identifiers: ClinVar variation 2137395 (VCV002137395.9), dbSNP rs1382701532, ClinGen allele CA693086017.